The following is an entry in ClinVar:

ClinVar aggregate classification (germline): Uncertain significance (1 of 4 stars; one submission).

Conditions:
Marfan syndrome (MFS). Also called: MARFAN SYNDROME, TYPE I; Marfan syndrome type 1; Marfan's syndrome; FBN1-Related Marfan Syndrome; Marfan syndrome, classic. Identifiers: Orphanet 284963, Orphanet 558, MedGen C0024796, MONDO:0007947, OMIM 154700.

Submission:

All of Us Research Program, National Institutes of Health
Classification: Uncertain significance for Marfan syndrome. Last evaluated: 2024-07-10. Review status: criteria provided, single submitter. Criteria: ACMG Guidelines, 2015. Collection method: clinical testing. Allele origin: germline. Inheritance: Autosomal dominant inheritance. Observed: 1 variant allele, 1 heterozygote.
Comment: This variant causes a G to T nucleotide substitution at the +4 position of intron 62 of the FBN1 gene. Splice site prediction tools are inconclusive regarding the impact of this variant on RNA splicing. To our knowledge, RNA studies have not been reported for this variant. This variant has not been reported in individuals affected with FBN1-related disorders in the literature. This variant has not been identified in the general population by the Genome Aggregation Database (gnomAD). The available evidence is insufficient to determine the role of this variant in disease conclusively. Therefore, this variant is classified as a Variant of Uncertain Significance.

This study involves interpretation of variants in research participants for the purpose of population health screening. Participant phenotype was not available at the time of variant classification. Additional details can be found in publication PMID: 35346344, PMCID: PMC8962531

NM_000138.5(FBN1):c.7699+4G>T

Gene: FBN1 (fibrillin 1; minus strand). Cytogenetic location: 15q21.1.
Variant type: single nucleotide variant.
Coding change: c.7699+4G>T on transcript NM_000138.5 (MANE Select); 4 bases into the intron after coding-DNA position 7699, G replaced by T.
Molecular consequence: intron variant.
Genome position (GRCh38, 1-based): chr15:48,421,554, C>A on the plus strand (G>T on the coding strand, the complement: FBN1 is on the minus strand). VCF-style: chr15-48421554-C-A. GRCh37 (hg19) VCF-style: chr15-48713751-C-A.
Other names: c.7699+4G>T (NM_001406716.1).
Identifiers: ClinVar variation 3386755 (VCV003386755.1).
Genomic context (GRCh38, chr15:48,421,554, plus strand): 5'-ATAGCCACACAGGCCACCTCCACAAGGATTCACCAGCTGGATCGCAGCTGAAGTCTCCAC[C>A]CACCTTCACAGCTGGAGCCGGTCTGATCAAGTGAGAATCCCCGCTGGCATTCACAGGTGA-3'